The following is an entry in ClinVar:

ClinVar aggregate classification (germline): Uncertain significance. Review status: criteria provided, multiple submitters, no conflicts (2 of 4 stars). 3 submissions from 3 submitters: Uncertain significance (3). Last evaluated 2021-09-05.

Conditions:
Charlevoix-Saguenay spastic ataxia (SACS). Also called: SPASTIC ATAXIA 6, AUTOSOMAL RECESSIVE; Spastic ataxia of Charlevoix-Saguenay; AUTOSOMAL RECESSIVE SPASTIC ATAXIA OF CHARLEVOIX-SAGUENAY. Identifiers: Orphanet 98, MedGen C1849140, MONDO:0010041, OMIM 270550.
Spastic paraplegia. Identifiers: MedGen C0037772, HP:0001258.

Allele frequency attached by ClinVar (database versions not stated): gnomAD exomes 0.00001 and 0.00004; ExAC 0.00002; ESP Exome Variant Server 0.00008.
gnomAD v4.1: 61 of 1,603,518 alleles (0.0038%); highest among the groups gnomAD compares: Non-Finnish European, 0.0052%; no homozygotes.

Submissions (3):

Genome-Nilou Lab
Classification: Uncertain significance for Charlevoix-Saguenay spastic ataxia. Last evaluated: 2021-09-05. Review status: criteria provided, single submitter. Criteria: ACMG Guidelines, 2015. Collection method: clinical testing. Allele origin: germline. Affected: no.

Labcorp Genetics (formerly Invitae), Labcorp
Classification: Uncertain significance for Spastic paraplegia. Last evaluated: 2021-08-27. Review status: criteria provided, single submitter. Criteria: Invitae Variant Classification Sherloc (09022015). Collection method: clinical testing. Allele origin: germline.
Comment: This sequence change replaces glutamic acid with glycine at codon 1543 of the SACS protein (p.Glu1543Gly). The glutamic acid residue is moderately conserved and there is a moderate physicochemical difference between glutamic acid and glycine. This variant is present in population databases (rs370324250, ExAC 0.003%). This variant has not been reported in the literature in individuals affected with SACS-related conditions. Algorithms developed to predict the effect of missense changes on protein structure and function are either unavailable or do not agree on the potential impact of this missense change (SIFT: "Tolerated"; PolyPhen-2: "Probably Damaging"; Align-GVGD: "Class C0"). In summary, the available evidence is currently insufficient to determine the role of this variant in disease. Therefore, it has been classified as a Variant of Uncertain Significance.

Athena Diagnostics
Classification: Uncertain significance. Last evaluated: 2018-12-31. Review status: criteria provided, single submitter. Criteria: Athena Diagnostics Criteria. Collection method: clinical testing. Allele origin: germline.

NM_014363.6(SACS):c.4628A>G (p.Glu1543Gly)

Gene: SACS (sacsin molecular chaperone; minus strand). Cytogenetic location: 13q12.12.
Variant type: single nucleotide variant.
Coding change: c.4628A>G on transcript NM_014363.6 (MANE Select); coding-DNA position 4628, A replaced by G.
Protein change: p.Glu1543Gly; replaces glutamic acid 1543 with glycine.
Molecular consequence: missense variant.
Genome position (GRCh38, 1-based): chr13:23,339,248, T>C on the plus strand (A>G on the coding strand, the complement: SACS is on the minus strand). VCF-style: chr13-23339248-T-C. GRCh37 (hg19) VCF-style: chr13-23913387-T-C.
Other names: c.4187A>G, p.Glu1396Gly (NM_001278055.2); short protein forms E1543G, E1396G.
Identifiers: ClinVar variation 458264 (VCV000458264.5), dbSNP rs370324250, ClinGen allele CA6911367.